The following is an entry in ClinVar:

ClinVar aggregate classification (germline): Uncertain significance (1 of 4 stars; one submission).

Conditions:
Microcephaly, normal intelligence and immunodeficiency (NBS). Also called: BERLIN BREAKAGE SYNDROME; Ataxia telangiectasia variant V1; IMMUNODEFICIENCY, MICROCEPHALY, AND CHROMOSOMAL INSTABILITY; SEEMANOVA SYNDROME II; Immunodeficiency, microcephaly with normal intelligence; Nijmegen breakage syndrome. Identifiers: Orphanet 647, MedGen C0398791, MONDO:0009623, OMIM 251260.

Submission:

Labcorp Genetics (formerly Invitae), Labcorp
Classification: Uncertain significance for Microcephaly, normal intelligence and immunodeficiency. Last evaluated: 2021-10-18. Review status: criteria provided, single submitter. Criteria: Invitae Variant Classification Sherloc (09022015). Collection method: clinical testing. Allele origin: germline.
Comment: This sequence change replaces proline with serine at codon 190 of the NBN protein (p.Pro190Ser). The proline residue is moderately conserved and there is a moderate physicochemical difference between proline and serine. This variant is not present in population databases (ExAC no frequency). This variant has not been reported in the literature in individuals affected with NBN-related conditions. ClinVar contains an entry for this variant (Variation ID: 492122). Algorithms developed to predict the effect of missense changes on protein structure and function (SIFT, PolyPhen-2, Align-GVGD) all suggest that this variant is likely to be tolerated. In summary, the available evidence is currently insufficient to determine the role of this variant in disease. Therefore, it has been classified as a Variant of Uncertain Significance.

NM_002485.5(NBN):c.568C>T (p.Pro190Ser)

Gene: NBN (nibrin; minus strand). Cytogenetic location: 8q21.3.
Variant type: single nucleotide variant.
Coding change: c.568C>T on transcript NM_002485.5 (MANE Select); coding-DNA position 568, C replaced by T.
Protein change: p.Pro190Ser; replaces proline 190 with serine.
Molecular consequence: missense variant.
Genome position (GRCh38, 1-based): chr8:89,978,236, G>A on the plus strand (C>T on the coding strand, the complement: NBN is on the minus strand). VCF-style: chr8-89978236-G-A. GRCh37 (hg19) VCF-style: chr8-90990464-G-A.
Other names: c.322C>T, p.Pro108Ser (NM_001024688.3); short protein forms P190S, P108S.
Identifiers: ClinVar variation 492122 (VCV000492122.6), dbSNP rs1554566620, ClinGen allele CA371660133.